The following is an entry in ClinVar:

ClinVar aggregate classification (germline): Uncertain significance (1 of 4 stars; one submission).

Allele frequency attached by ClinVar (database versions not stated): gnomAD exomes below 0.00001; TOPMed below 0.00001 and 0.00001; ExAC 0.00001.
gnomAD v4.1: 2 of 1,612,852 alleles (0.00012%); highest among the groups gnomAD compares: South Asian, 0.0022%; no homozygotes.

Submission:

GeneDx
Classification: Uncertain significance. Last evaluated: 2016-07-22. Review status: criteria provided, single submitter. Criteria: GeneDx Variant Classification (06012015). Collection method: clinical testing. Allele origin: germline. Affected: yes.
Comment: A variant of uncertain significance has been identified in the CHRNA2 gene. The C373S variant has not been published as a pathogenic variant, nor has it been reported as a benign variant to our knowledge. It was not observed in approximately 6,500 individuals of European and African American ancestry in the NHLBI Exome Sequencing Project, indicating it is not a common benign variant in these populations. The C373S variant is a non-conservative amino acid substitution, which is likely to impact secondary protein structure as these residues differ in polarity, charge, size and/or other properties. However, this substitution occurs at a position that is not conserved and in silico analysis predicts this variant likely does not alter the protein structure/function. Furthermore, this amino acid substitution is not predicted to occur within the transmembrane region of the protein, where the vast majority of pathogenic missense variants have been identified in association with epilepsy (Steinlein et al., 2010). Therefore, based on the currently available information, it is unclear whether this variant is a pathogenic variant or a rare benign variant.

NM_000742.4(CHRNA2):c.1118G>C (p.Cys373Ser)

Gene: CHRNA2 (cholinergic receptor nicotinic alpha 2 subunit; minus strand). Cytogenetic location: 8p21.2.
Variant type: single nucleotide variant.
Coding change: c.1118G>C on transcript NM_000742.4 (MANE Select); coding-DNA position 1118, G replaced by C.
Protein change: p.Cys373Ser; replaces cysteine 373 with serine.
Molecular consequence: missense variant.
Genome position (GRCh38, 1-based): chr8:27,463,325, C>G on the plus strand (G>C on the coding strand, the complement: CHRNA2 is on the minus strand). VCF-style: chr8-27463325-C-G. GRCh37 (hg19) VCF-style: chr8-27320842-C-G.
Other names: c.1073G>C, p.Cys358Ser (NM_001282455.2); c.641G>C, p.Cys214Ser (NM_001347705.2, NM_001347706.2); c.524G>C, p.Cys175Ser (NM_001347707.2, NM_001347708.2); short protein forms C373S, C214S, C175S, C358S.
Identifiers: ClinVar variation 421771 (VCV000421771.2), dbSNP rs768424025, ClinGen allele CA4689523.